The following is an entry in ClinVar:

ClinVar aggregate classification (germline): Uncertain significance (1 of 4 stars; one submission).

Conditions:
Familial adenomatous polyposis 1 (FAP1). Also called: FAMILIAL ADENOMATOUS POLYPOSIS 1, ATTENUATED; POLYPOSIS, ADENOMATOUS INTESTINAL. Identifiers: MedGen C2713442, MONDO:0021056, OMIM 175100. Disease mechanism: loss of function.

Submission:

Labcorp Genetics (formerly Invitae), Labcorp
Classification: Uncertain significance for Familial adenomatous polyposis 1. Last evaluated: 2024-10-06. Review status: criteria provided, single submitter. Criteria: Invitae Variant Classification Sherloc (09022015). Collection method: clinical testing. Allele origin: germline.
Comment: This variant occurs in a non-coding region of the APC gene. It does not change the encoded amino acid sequence of the APC protein. Information on the frequency of this variant in the gnomAD database is not available, as this variant may be reported differently in the database. This variant has not been reported in the literature in individuals affected with APC-related conditions. Experimental studies and prediction algorithms are not available or were not evaluated, and the functional significance of this variant is currently unknown. In summary, the available evidence is currently insufficient to determine the role of this variant in disease. Therefore, it has been classified as a Variant of Uncertain Significance.

NC_000005.10:g.112707361_112707362delinsTG

Gene: APC (APC regulator of Wnt signaling pathway; plus strand). Cytogenetic location: 5q22.2.
Variant type: Indel.
Genome position: GRCh38 VCF-style: chr5-112707361-CT-TG. GRCh37 (hg19) VCF-style: chr5-112043058-CT-TG.
Identifiers: ClinVar variation 1003210 (VCV001003210.8), dbSNP rs1750551900, ClinGen allele CA1573442203.